The following is an entry in ClinVar:

NM_001042492.3(NF1):c.1004_1006delinsGTA (p.Asn335_Trp336delinsSerArg)

Gene: NF1 (neurofibromin 1; plus strand). Cytogenetic location: 17q11.2.
Variant type: Indel.
Coding change: c.1004_1006delinsGTA on transcript NM_001042492.3 (MANE Select); coding-DNA positions 1004 to 1006, ATT replaced by GTA.
Protein change: p.Asn335_Trp336delinsSerArg.
Molecular consequence: missense variant.
Genome position (GRCh38, 1-based): chr17:31,200,537-31,200,539, ATT replaced by GTA. VCF-style: chr17-31200537-ATT-GTA. GRCh37 (hg19) VCF-style: chr17-29527555-ATT-GTA.
Other names: c.1004_1006delATTinsGTA, p.Asn335_Trp336delinsSerArg (NM_000267.4); c.1004_1006delinsGTA, p.Asn335_Trp336delinsSerArg (NM_001128147.3); c.1004_1006delATTinsGTA (NM_000267.3).
Identifiers: ClinVar variation 3404766 (VCV003404766.1).

ClinVar aggregate classification (germline): Uncertain significance (1 of 4 stars; one submission).

Conditions:
Hereditary cancer-predisposing syndrome. Also called: Hereditary Cancer Syndrome; Tumor predisposition; Hereditary neoplastic syndrome; Neoplastic Syndromes, Hereditary. Identifiers: Orphanet 140162, MedGen C0027672, MeSH D009386, MONDO:0015356.
Cardiovascular phenotype. Identifiers: MedGen CN230736.

Submission:

Ambry Genetics
Classification: Uncertain significance for Cardiovascular phenotype; Hereditary cancer-predisposing syndrome. Last evaluated: 2024-10-09. Review status: criteria provided, single submitter. Criteria: Ambry Variant Classification Scheme 2023. Collection method: clinical testing. Allele origin: germline.
Comment: The c.1004_1006delATTinsGTA variant (also known as p.N335_W336delinsSR), located in coding exon 9 of the NF1 gene, results from an in-frame deletion of ATT and insertion of GTA at nucleotide positions 1004 to 1006. This results in the substitution of NW residues for SR residues at codons 335 and 336. This amino acid region is highly conserved in available vertebrate species. In addition, the in silico prediction for this alteration is inconclusive (Choi Y et al. PLoS ONE. 2012; 7(10):e46688). Based on the available evidence, the clinical significance of this variant remains unclear.